The following is an entry in ClinVar:

ClinVar aggregate classification (germline): Uncertain significance (1 of 4 stars; one submission).

gnomAD v4.1: 3 of 1,572,220 alleles (0.00019%); highest among the groups gnomAD compares: Non-Finnish European, 0.00026%; no homozygotes.

Submission:

GeneDx
Classification: Uncertain significance. Last evaluated: 2024-10-30. Review status: criteria provided, single submitter. Criteria: GeneDx Variant Classification Process June 2021. Collection method: clinical testing. Allele origin: germline. Affected: yes.
Comment: Not observed at significant frequency in large population cohorts (gnomAD); In silico analysis supports that this missense variant has a deleterious effect on protein structure/function; Has not been previously published as pathogenic or benign to our knowledge

NM_032271.3(TRAF7):c.751C>T (p.Leu251Phe)

Gene: TRAF7 (TNF receptor associated factor 7; plus strand). Cytogenetic location: 16p13.3.
Variant type: single nucleotide variant.
Coding change: c.751C>T on transcript NM_032271.3 (MANE Select); coding-DNA position 751, C replaced by T.
Protein change: p.Leu251Phe; replaces leucine 251 with phenylalanine.
Molecular consequence: missense variant.
Genome position (GRCh38, 1-based): chr16:2,172,556, C>T. VCF-style: chr16-2172556-C-T. GRCh37 (hg19) VCF-style: chr16-2222557-C-T.
Other names: short protein forms L251F.
Identifiers: ClinVar variation 3897451 (VCV003897451.1).